The following is an entry in ClinVar:

NM_000257.4(MYH7):c.3367G>A (p.Glu1123Lys)

Gene: MYH7 (myosin heavy chain 7; minus strand). Cytogenetic location: 14q11.2.
Variant type: single nucleotide variant.
Coding change: c.3367G>A on transcript NM_000257.4 (MANE Select); coding-DNA position 3367, G replaced by A.
Protein change: p.Glu1123Lys; replaces glutamic acid 1123 with lysine.
Molecular consequence: missense variant.
Genome position (GRCh38, 1-based): chr14:23,420,204, C>T on the plus strand (G>A on the coding strand, the complement: MYH7 is on the minus strand). VCF-style: chr14-23420204-C-T. GRCh37 (hg19) VCF-style: chr14-23889413-C-T.
Other names: short protein forms E1123K.
Identifiers: ClinVar variation 1017829 (VCV001017829.12), dbSNP rs753801146, ClinGen allele CA037148.
Genomic context (GRCh38, chr14:23,420,204, plus strand): 5'-GCTCCCGAGACAGGTCTGAGCGCAGCTTCTCCACCTTAGCCCTGGCGGTGCGCTCGGCCT[C>T]CAGCTCCTCCTCCAGCTCCTCGATGCGTGCCTGGTCAGACACAAAGGGCTCAGACCCACC-3'
Protein context (NP_000248.2, residues 1113-1133): ARIEELEEEL[Glu1123Lys]AERTARAKVE

ClinVar aggregate classification (germline): Uncertain significance. Review status: criteria provided, multiple submitters, no conflicts (2 of 4 stars). 5 submissions from 5 submitters: Uncertain significance (3). 2 of the submissions do not count toward it. Last evaluated 2025-08-04.

Conditions:
Hypertrophic cardiomyopathy 1 (CMH1). Also called: Familial hypertrophic cardiomyopathy 1; MYH7-Related Familial Hypertrophic Cardiomyopathy. Identifiers: MedGen C3495498, MONDO:0008647, OMIM 192600.
Cardiovascular phenotype. Identifiers: MedGen CN230736.
Hypertrophic cardiomyopathy. Also called: HYPERTROPHIC MYOCARDIOPATHY. Identifiers: Orphanet 217569, MedGen C0007194, MeSH D002312, MONDO:0005045, HP:0001639.

Allele frequency attached by ClinVar (database versions not stated): gnomAD exomes below 0.00001; ExAC 0.00001.

Submissions (5):

Ambry Genetics
Classification: Uncertain significance for Cardiovascular phenotype. Last evaluated: 2025-08-04. Review status: criteria provided, single submitter. Criteria: Ambry Variant Classification Scheme 2023. Collection method: clinical testing. Allele origin: germline.
Comment: The p.E1123K variant (also known as c.3367G>A), located in coding exon 25 of the MYH7 gene, results from a G to A substitution at nucleotide position 3367. The glutamic acid at codon 1123 is replaced by lysine, an amino acid with similar properties. This variant was reported in individual(s) with features consistent with hypertrophic cardiomyopathy (Nijenkamp LLAM et al. Circ Heart Fail, 2018 Jun;11:e004133; Ambry internal data). This amino acid position is highly conserved in available vertebrate species. In addition, this alteration is predicted to be deleterious by in silico analysis. Based on the available evidence, the clinical significance of this variant remains unclear.

Victorian Clinical Genetics Services, Murdoch Childrens Research Institute
Classification: Uncertain significance for Hypertrophic cardiomyopathy 1. Last evaluated: 2025-06-24. Review status: criteria provided, single submitter. Criteria: ACMG Guidelines, 2015. Collection method: clinical testing. Allele origin: germline. Affected: yes.
Comment: This variant is classified as VUS-3A. Evidence in support of pathogenic classification: Variant is present in gnomAD <0.01 (v4: 1 heterozygote(s), 0 homozygote(s)). However, this variant is located in a low complexity region; Missense variant predicted to be damaging by in silico tool(s) or highly conserved with a major amino acid change. Additional information: Variant is predicted to result in a missense amino acid change from glutamic acid to lysine; This variant is heterozygous; This gene is associated with both recessive and dominant disease. Disease associated with this gene usually has autosomal dominant inheritance; however, a recessive inheritance pattern has been observed in severe cases (OMIM); Previous evidence of pathogenicity for this variant is inconclusive. This variant has been classified as a VUS by multiple clinical laboratories in ClinVar. It has been reported in the literature in one individual with hypertrophic cardiomyopathy (HCM) (PMID: 29853478); No published segregation evidence has been identified for this variant; No published functional evidence has been identified for this variant; Other missense variant(s) comparable to the one identified in this case have inconclusive previous evidence for pathogenicity. p.(Glu1123Gln) has been classified as a VUS and likely pathogenic by clinical laboratories in ClinVar, and has been reported in the literature in an individual with HCM (PMID: 27483260). p.(Glu1123Ala) has also been classified as a VUS by a clinical laboratory in ClinVar; Variant is located in the annotated myosin tail 1 domain (DECIPHER); The mechanism of disease for this gene is not clearly established; however, missense variants have been proposed to act in a dominant negative manner (PMID: 24714796); The condition associated with this gene has incomplete penetrance (PMID: 29300372); Inheritance information for this variant is not currently available in this individual.

Labcorp Genetics (formerly Invitae), Labcorp
Classification: Uncertain significance for Hypertrophic cardiomyopathy. Last evaluated: 2022-11-22. Review status: criteria provided, single submitter. Criteria: Invitae Variant Classification Sherloc (09022015). Collection method: clinical testing. Allele origin: germline.
Comment: This sequence change replaces glutamic acid, which is acidic and polar, with lysine, which is basic and polar, at codon 1123 of the MYH7 protein (p.Glu1123Lys). The frequency data for this variant in the population databases is considered unreliable, as metrics indicate poor data quality at this position in the gnomAD database. This variant has not been reported in the literature in individuals affected with MYH7-related conditions. ClinVar contains an entry for this variant (Variation ID: 1017829). Advanced modeling of protein sequence and biophysical properties (such as structural, functional, and spatial information, amino acid conservation, physicochemical variation, residue mobility, and thermodynamic stability) performed at Invitae indicates that this missense variant is expected to disrupt MYH7 protein function. In summary, the available evidence is currently insufficient to determine the role of this variant in disease. Therefore, it has been classified as a Variant of Uncertain Significance.

Clinical Genetics DNA and cytogenetics Diagnostics Lab, Erasmus MC, Erasmus Medical Center
Classification: Uncertain significance. Review status: no assertion criteria provided. Collection method: clinical testing. Allele origin: germline. Affected: yes. Study: VKGL Data-share Consensus. Not counted in ClinVar's aggregate classification.

Joint Genome Diagnostic Labs from Nijmegen and Maastricht, Radboudumc and MUMC+
Classification: Uncertain significance. Review status: no assertion criteria provided. Collection method: clinical testing. Allele origin: germline. Affected: yes. Study: VKGL Data-share Consensus. Not counted in ClinVar's aggregate classification.

Literature cited by the submitters: PubMed 29853478 (cited by Ambry Genetics and Victorian Clinical Genetics Services, Murdoch Childrens Research Institute); PubMed 24714796 (cited by Victorian Clinical Genetics Services, Murdoch Childrens Research Institute); PubMed 29300372 (cited by Victorian Clinical Genetics Services, Murdoch Childrens Research Institute); PubMed 27483260 (cited by Victorian Clinical Genetics Services, Murdoch Childrens Research Institute).